The following is an entry in ClinVar:

ClinVar aggregate classification (germline): Conflicting classifications of pathogenicity. Review status: criteria provided, conflicting classifications (1 of 4 stars). 2 submissions from 2 submitters: Uncertain significance (1); Benign (1). Last evaluated 2025-10-24.

Conditions:
Fanconi anemia complementation group O. Also called: RAD51C-Related Fanconi Anemia. Identifiers: Orphanet 84, MedGen C3150653, MONDO:0013248, OMIM 613390.
Hereditary cancer-predisposing syndrome. Also called: Tumor predisposition; Hereditary neoplastic syndrome; Neoplastic Syndromes, Hereditary; Hereditary Cancer Syndrome. Identifiers: Orphanet 140162, MedGen C0027672, MeSH D009386, MONDO:0015356.

Allele frequency attached by ClinVar (database versions not stated): gnomAD exomes below 0.00001.
gnomAD v4.1: 1 of 1,614,180 alleles (0.000062%); highest among the groups gnomAD compares: East Asian, 0.0022%; no homozygotes.

Submissions (2):

Ambry Genetics
Classification: Benign for Hereditary cancer-predisposing syndrome. Last evaluated: 2025-10-24. Review status: criteria provided, single submitter. Criteria: Ambry Variant Classification Scheme 2023. Collection method: clinical testing. Allele origin: germline.

Labcorp Genetics (formerly Invitae), Labcorp
Classification: Uncertain significance for Fanconi anemia complementation group O. Last evaluated: 2023-08-08. Review status: criteria provided, single submitter. Criteria: Invitae Variant Classification Sherloc (09022015). Collection method: clinical testing. Allele origin: germline.
Comment: In summary, the available evidence is currently insufficient to determine the role of this variant in disease. Therefore, it has been classified as a Variant of Uncertain Significance. Advanced modeling of protein sequence and biophysical properties (such as structural, functional, and spatial information, amino acid conservation, physicochemical variation, residue mobility, and thermodynamic stability) performed at Invitae indicates that this missense variant is not expected to disrupt RAD51C protein function. This variant has not been reported in the literature in individuals affected with RAD51C-related conditions. This variant is not present in population databases (gnomAD no frequency). This sequence change replaces isoleucine, which is neutral and non-polar, with valine, which is neutral and non-polar, at codon 100 of the RAD51C protein (p.Ile100Val).

NM_058216.3(RAD51C):c.298A>G (p.Ile100Val)

Gene: RAD51C (RAD51 paralog C; plus strand). Cytogenetic location: 17q22.
Variant type: single nucleotide variant.
Coding change: c.298A>G on transcript NM_058216.3 (MANE Select); coding-DNA position 298, A replaced by G.
Protein change: p.Ile100Val; replaces isoleucine 100 with valine.
Molecular consequence: missense variant. On other transcripts: non-coding transcript variant (2).
Genome position (GRCh38, 1-based): chr17:58,695,083, A>G. VCF-style: chr17-58695083-A-G. GRCh37 (hg19) VCF-style: chr17-56772444-A-G.
Other names: c.298A>G, p.Ile100Val (NM_002876.4, NM_058217.1); short protein forms I100V.
Identifiers: ClinVar variation 2963873 (VCV002963873.5), dbSNP rs2143723668, ClinGen allele CA400340960.